The following is an entry in ClinVar:

ClinVar aggregate classification (germline): Benign/Likely benign. Review status: criteria provided, multiple submitters, no conflicts (2 of 4 stars). 3 submissions from 3 submitters: Benign (1); Likely benign (2). Last evaluated 2026-01-21.

Conditions:
Cortical dysplasia-focal epilepsy syndrome (PTHSL1). Also called: Pitt-Hopkins-like syndrome 1. Identifiers: Orphanet 163681, Orphanet 221150, MedGen C2750246, MONDO:0012400, OMIM 610042.

Allele frequency attached by ClinVar (database versions not stated): 1000 Genomes Project 30x 0.00016; ExAC 0.00019; gnomAD 0.00019 and 0.00020; gnomAD exomes 0.00019 and 0.00031; TOPMed 0.00019; 1000 Genomes Project 0.00020; ESP Exome Variant Server 0.00046.
gnomAD v4.1: 477 of 1,613,738 alleles (0.03%); highest among the groups gnomAD compares: Non-Finnish European, 0.038%; no homozygotes.

Submissions (3):

Labcorp Genetics (formerly Invitae), Labcorp
Classification: Likely benign for Cortical dysplasia-focal epilepsy syndrome. Last evaluated: 2026-01-21. Review status: criteria provided, single submitter. Criteria: Invitae Variant Classification Sherloc (09022015). Collection method: clinical testing. Allele origin: germline.

Blueprint Genetics
Classification: Likely benign. Last evaluated: 2024-06-12. Review status: criteria provided, single submitter. Criteria: ACMG Guidelines, 2015. Collection method: clinical testing. Allele origin: germline.

GeneDx
Classification: Benign. Last evaluated: 2014-02-13. Review status: criteria provided, single submitter. Criteria: GeneDx Variant Classification (06012015). Collection method: clinical testing. Allele origin: germline. Affected: yes.
Comment: This variant is considered likely benign or benign based on one or more of the following criteria: it is a conservative change, it occurs at a poorly conserved position in the protein, it is predicted to be benign by multiple in silico algorithms, and/or has population frequency not consistent with disease.

NM_014141.6(CNTNAP2):c.940-17A>T

Gene: CNTNAP2 (contactin associated protein 2; plus strand). Cytogenetic location: 7q35.
Variant type: single nucleotide variant.
Coding change: c.940-17A>T on transcript NM_014141.6 (MANE Select); 17 bases into the intron before coding-DNA position 940, A replaced by T.
Molecular consequence: intron variant.
Genome position (GRCh38, 1-based): chr7:147,128,676, A>T. VCF-style: chr7-147128676-A-T. GRCh37 (hg19) VCF-style: chr7-146825768-A-T.
Identifiers: ClinVar variation 136811 (VCV000136811.10), dbSNP rs374812409, ClinGen allele CA290166.